The following is an entry in ClinVar:

NM_001001557.4(GDF6):c.119C>T (p.Thr40Ile)

Gene: GDF6 (growth differentiation factor 6; minus strand). Cytogenetic location: 8q22.1.
Variant type: single nucleotide variant.
Coding change: c.119C>T on transcript NM_001001557.4 (MANE Select); coding-DNA position 119, C replaced by T.
Protein change: p.Thr40Ile; replaces threonine 40 with isoleucine.
Molecular consequence: missense variant.
Genome position (GRCh38, 1-based): chr8:96,160,574, G>A on the plus strand (C>T on the coding strand, the complement: GDF6 is on the minus strand). VCF-style: chr8-96160574-G-A. GRCh37 (hg19) VCF-style: chr8-97172802-G-A.
Other names: short protein forms T40I.
Identifiers: ClinVar variation 2088550 (VCV002088550.4), dbSNP rs372946584, ClinGen allele CA4815550.

ClinVar aggregate classification (germline): Uncertain significance (1 of 4 stars; one submission).

Conditions:
Klippel-Feil syndrome 1, autosomal dominant (KFS1). Also called: CERVICAL VERTEBRAL FUSION, AUTOSOMAL DOMINANT. Identifiers: Orphanet 2345, MedGen C1861689, MONDO:0007306, OMIM 118100.
Microphthalmia, isolated, with coloboma 6 (MCOPCB6). Also called: MICROPHTHALMIA/COLOBOMA 6; Microphthalmia with coloboma 6, digenic; Microphthalmia with coloboma 6. Identifiers: Orphanet 98938, MedGen C3150968, MONDO:0013376, OMIM 613703.
Leber congenital amaurosis 17 (LCA17). Identifiers: Orphanet 65, MedGen C3715164, MONDO:0014145, OMIM 615360.
Isolated microphthalmia 4. Identifiers: Orphanet 2542, MedGen C2751307, MONDO:0013130, OMIM 613094.

Allele frequency attached by ClinVar (database versions not stated): TOPMed below 0.00001; ExAC 0.00001; gnomAD 0.00001; ESP Exome Variant Server 0.00008.
gnomAD v4.1: 2 of 1,613,582 alleles (0.00012%); highest among the groups gnomAD compares: African/African-American, 0.0013%; no homozygotes.

Submission:

Labcorp Genetics (formerly Invitae), Labcorp
Classification: Uncertain significance for Isolated microphthalmia 4; Leber congenital amaurosis 17; Klippel-Feil syndrome 1, autosomal dominant; Microphthalmia, isolated, with coloboma 6. Last evaluated: 2024-11-30. Review status: criteria provided, single submitter. Criteria: Invitae Variant Classification Sherloc (09022015). Collection method: clinical testing. Allele origin: germline.
Comment: This sequence change replaces threonine, which is neutral and polar, with isoleucine, which is neutral and non-polar, at codon 40 of the GDF6 protein (p.Thr40Ile). This variant is present in population databases (rs372946584, gnomAD 0.007%). This variant has not been reported in the literature in individuals affected with GDF6-related conditions. ClinVar contains an entry for this variant (Variation ID: 2088550). An algorithm developed to predict the effect of missense changes on protein structure and function (PolyPhen-2) suggests that this variant is likely to be tolerated. In summary, the available evidence is currently insufficient to determine the role of this variant in disease. Therefore, it has been classified as a Variant of Uncertain Significance.